The following is an entry in ClinVar:

NM_001318852.2(MAPK8IP3):c.1898+5G>A

Gene: MAPK8IP3 (mitogen-activated protein kinase 8 interacting protein 3; plus strand). Cytogenetic location: 16p13.3.
Variant type: single nucleotide variant.
Coding change: c.1898+5G>A on transcript NM_001318852.2 (MANE Select); 5 bases into the intron after coding-DNA position 1898, G replaced by A.
Molecular consequence: intron variant.
Genome position (GRCh38, 1-based): chr16:1,763,011, G>A. VCF-style: chr16-1763011-G-A. GRCh37 (hg19) VCF-style: chr16-1813012-G-A.
Other names: c.1895+5G>A (NM_015133.5); c.1877+5G>A (NM_001040439.2).
Identifiers: ClinVar variation 4051646 (VCV004051646.2).

ClinVar aggregate classification (germline): Uncertain significance. Review status: criteria provided, multiple submitters, no conflicts (2 of 4 stars). 2 submissions from 2 submitters: Uncertain significance (2). Last evaluated 2025-04-17.

Conditions:
Inborn genetic diseases. Identifiers: MedGen C0950123, MeSH D030342.

Submissions (2):

Ambry Genetics
Classification: Uncertain significance for Inborn genetic diseases. Last evaluated: 2025-04-17. Review status: criteria provided, single submitter. Criteria: Ambry Variant Classification Scheme 2023. Collection method: clinical testing. Allele origin: germline.
Comment: The c.1895+5G>A intronic alteration consists of a G to A substitution 5 nucleotides after exon 16 of the MAPK8IP3 gene. Based on insufficient or conflicting evidence, the clinical significance of this alteration remains unclear.

GeneDx
Classification: Uncertain significance. Last evaluated: 2025-01-08. Review status: criteria provided, single submitter. Criteria: GeneDx Variant Classification Process June 2021. Collection method: clinical testing. Allele origin: germline. Affected: yes.
Comment: Not observed at significant frequency in large population cohorts (gnomAD); Intronic +5 splice site variant in a gene for which loss of function is a known mechanism of disease, and both splice predictors and evolutionary conservation support a deleterious effect, although in the absence of functional evidence the actual effect of this sequence change is unknown.; Has not been previously published as pathogenic or benign to our knowledge